The following is an entry in ClinVar:

NM_005121.3(MED13):c.1887dup (p.Pro630fs)

Gene: MED13 (mediator complex subunit 13; minus strand). Cytogenetic location: 17q23.2.
Variant type: Duplication.
Coding change: c.1887dup on transcript NM_005121.3 (MANE Select); coding-DNA position 1887, one base duplicated (A; older notation c.1887dupA).
Protein change: p.Pro630fs; shifts the reading frame from proline 630.
Molecular consequence: frameshift variant.
Genome position (GRCh38, 1-based): chr17:62,010,630, T duplicated on the plus strand (A on the coding strand, the reverse complement: MED13 is on the minus strand). VCF-style (leftmost placement, unchanged base first): chr17-62010629-G-GT. GRCh37 (hg19) VCF-style: chr17-60087990-G-GT.
Other names: short protein forms P630fs.
Identifiers: ClinVar variation 4857429 (VCV004857429.1).

ClinVar aggregate classification (germline): Pathogenic (1 of 4 stars; one submission).

Conditions:
Intellectual developmental disorder 61. Also called: INTELLECTUAL DEVELOPMENTAL DISORDER, AUTOSOMAL DOMINANT 61; MENTAL RETARDATION, AUTOSOMAL DOMINANT 61. Identifiers: MedGen C5231400, MONDO:0032485, OMIM 618009.

Submission:

Institute of Human Genetics, University of Leipzig Medical Center
Classification: Pathogenic for Intellectual developmental disorder 61. Last evaluated: 2026-04-15. Review status: criteria provided, single submitter. Criteria: ACMG Guidelines, 2015. Collection method: clinical testing. Allele origin: unknown. Inheritance: Autosomal dominant inheritance. Affected: yes.
Comment: Criteria applied: PVS1,PM2